The following is an entry in ClinVar:

NM_000287.4(PEX6):c.2436G>A (p.Arg812=)

Gene: PEX6 (peroxisomal biogenesis factor 6; minus strand). Cytogenetic location: 6p21.1.
Variant type: single nucleotide variant.
Coding change: c.2436G>A on transcript NM_000287.4 (MANE Select); coding-DNA position 2436, G replaced by A.
Protein change: p.Arg812=; no amino-acid change (arginine 812 retained).
Molecular consequence: synonymous variant. On other transcripts: non-coding transcript variant (1).
Genome position (GRCh38, 1-based): chr6:42,965,716, C>T on the plus strand (G>A on the coding strand, the complement: PEX6 is on the minus strand). VCF-style: chr6-42965716-C-T. GRCh37 (hg19) VCF-style: chr6-42933454-C-T.
Other names: c.2172G>A, p.Arg724= (NM_001316313.2).
Identifiers: ClinVar variation 194166 (VCV000194166.18), dbSNP rs61732156, ClinGen allele CA201004.

ClinVar aggregate classification (germline): Benign/Likely benign. Review status: criteria provided, multiple submitters, no conflicts (2 of 4 stars). 4 submissions from 4 submitters: Benign (1); Likely benign (3). Last evaluated 2026-02-02.

Conditions:
PEX6-related disorder. Also called: PEX6-related disorders; PEX6-related condition.
Peroxisome biogenesis disorder. Identifiers: Orphanet 79189, MedGen C1832200, MONDO:0019234. Disease mechanism: loss of function.

Allele frequency attached by ClinVar (database versions not stated): gnomAD exomes 0.00037; ExAC 0.00051; gnomAD 0.00164 and 0.00178; ESP Exome Variant Server 0.00169; TOPMed 0.00182; 1000 Genomes Project 0.00240; 1000 Genomes Project 30x 0.00250.
gnomAD v4.1: 491 of 1,614,138 alleles (0.03%); highest among the groups gnomAD compares: African/African-American, 0.57%; no homozygotes.

Submissions (4):

Labcorp Genetics (formerly Invitae), Labcorp
Classification: Benign for Peroxisome biogenesis disorder. Last evaluated: 2026-02-02. Review status: criteria provided, single submitter. Criteria: Invitae Variant Classification Sherloc (09022015). Collection method: clinical testing. Allele origin: germline.

PreventionGenetics, part of Exact Sciences
Classification: Likely benign for PEX6-related condition. Last evaluated: 2026-01-07. Review status: criteria provided, single submitter. Criteria: ACMG Guidelines, 2015. Collection method: clinical testing. Allele origin: germline.
Comment: This variant is classified as likely benign based on ACMG/AMP sequence variant interpretation guidelines (Richards et al. 2015 PMID: 25741868, with internal and published modifications).

Blueprint Genetics
Classification: Likely benign. Last evaluated: 2024-08-28. Review status: criteria provided, single submitter. Criteria: ACMG Guidelines, 2015. Collection method: clinical testing. Allele origin: germline.

Eurofins Ntd Llc (ga)
Classification: Likely benign. Last evaluated: 2015-05-19. Review status: criteria provided, single submitter. Criteria: EGL Classification Definitions 2015. Collection method: clinical testing. Allele origin: germline. Observed: 1 variant allele, 1 heterozygote.